The following is an entry in ClinVar:

ClinVar aggregate classification (germline): Benign (1 of 4 stars; one submission).

Allele frequency attached by ClinVar (database versions not stated): 1000 Genomes Project 0.32428; gnomAD 0.32496 and 0.33604; TOPMed 0.33281; 1000 Genomes Project 30x 0.33339.
gnomAD v4.1: 49,158 of 152,188 alleles (32%); highest among the groups gnomAD compares: African/African-American, 67%; 11,481 homozygotes.

Submission:

GeneDx
Classification: Benign. Last evaluated: 2018-06-14. Review status: criteria provided, single submitter. Criteria: GeneDx Variant Classification (06012015). Collection method: clinical testing. Allele origin: germline. Affected: yes.
Comment: This variant is considered likely benign or benign based on one or more of the following criteria: it is a conservative change, it occurs at a poorly conserved position in the protein, it is predicted to be benign by multiple in silico algorithms, and/or has population frequency not consistent with disease.

NM_139343.3(BIN1):c.1131+324T>C

Gene: BIN1 (bridging integrator 1; minus strand). Cytogenetic location: 2q14.3.
Variant type: single nucleotide variant.
Coding change: c.1131+324T>C on transcript NM_139343.3 (MANE Select); 324 bases into the intron after coding-DNA position 1131, T replaced by C.
Molecular consequence: intron variant.
Genome position (GRCh38, 1-based): chr2:127,057,149, A>G on the plus strand (T>C on the coding strand, the complement: BIN1 is on the minus strand). VCF-style: chr2-127057149-A-G. GRCh37 (hg19) VCF-style: chr2-127814725-A-G.
Other names: c.1050+324T>C (NM_001320642.1); c.837+1862T>C (NM_001320634.1); c.909+1862T>C (NM_139351.3, NM_139350.3, NM_139349.3); c.1038+324T>C (NM_139348.3, NM_139347.3, NM_001320641.2); c.954+1862T>C (NM_001320632.2, NM_004305.4); c.1083+324T>C (NM_139346.3); c.1002+1862T>C (NM_001320633.2, NM_139345.3, NM_139344.3); c.1131+324T>C (NM_001320640.2).
Identifiers: ClinVar variation 668026 (VCV000668026.1), dbSNP rs3754620, ClinGen allele CA11125917.